The following is an entry in ClinVar:

NM_153026.3(PRICKLE1):c.2105G>A (p.Arg702Gln)

Gene: PRICKLE1 (prickle planar cell polarity protein 1; minus strand). Cytogenetic location: 12q12.
Variant type: single nucleotide variant.
Coding change: c.2105G>A on transcript NM_153026.3 (MANE Select); coding-DNA position 2105, G replaced by A.
Protein change: p.Arg702Gln; replaces arginine 702 with glutamine.
Molecular consequence: missense variant.
Genome position (GRCh38, 1-based): chr12:42,460,200, C>T on the plus strand (G>A on the coding strand, the complement: PRICKLE1 is on the minus strand). VCF-style: chr12-42460200-C-T. GRCh37 (hg19) VCF-style: chr12-42854002-C-T.
Other names: p.R702Q:CGG>CAG; c.2105G>A, p.Arg702Gln (NM_001144881.2, NM_001144882.2, NM_001144883.2); short protein forms R702Q.
Identifiers: ClinVar variation 198920 (VCV000198920.14), dbSNP rs369790443, ClinGen allele CA247825.
Genomic context (GRCh38, chr12:42,460,200, plus strand): 5'-TGGATCTCCCGGGCACTTTTATTCTGTATAAATTTCTCATAGTTATCGGGGGTGTACAGC[C>T]GCAGTCTGTCCTTGGGAGAGTATTTTCTTTCTGTAACAAGATTCAGGGCATTGTCGGAGC-3'
Protein context (NP_694571.2, residues 692-712): ERKYSPKDRL[Arg702Gln]LYTPDNYEKF

ClinVar aggregate classification (germline): Uncertain significance. Review status: criteria provided, multiple submitters, no conflicts (2 of 4 stars). 4 submissions from 4 submitters: Uncertain significance (4). Last evaluated 2023-08-04.

Conditions:
Epilepsy, progressive myoclonic, 1B. Also called: PME. Identifiers: Orphanet 308, MedGen C2676254, MONDO:0012904, OMIM 612437.

Allele frequency attached by ClinVar (database versions not stated): gnomAD exomes 0.00004 and 0.00007; ExAC 0.00005; gnomAD 0.00005; ESP Exome Variant Server 0.00008; TOPMed 0.00008.
gnomAD v4.1: 104 of 1,613,932 alleles (0.0064%); highest among the groups gnomAD compares: African/African-American, 0.0093%; no homozygotes.

Submissions (4):

Labcorp Genetics (formerly Invitae), Labcorp
Classification: Uncertain significance for Epilepsy, progressive myoclonic, 1B. Last evaluated: 2023-08-04. Review status: criteria provided, single submitter. Criteria: Invitae Variant Classification Sherloc (09022015). Collection method: clinical testing. Allele origin: germline.
Comment: This sequence change replaces arginine, which is basic and polar, with glutamine, which is neutral and polar, at codon 702 of the PRICKLE1 protein (p.Arg702Gln). This variant is present in population databases (rs369790443, gnomAD 0.02%). This variant has not been reported in the literature in individuals affected with PRICKLE1-related conditions. ClinVar contains an entry for this variant (Variation ID: 198920). Advanced modeling of protein sequence and biophysical properties (such as structural, functional, and spatial information, amino acid conservation, physicochemical variation, residue mobility, and thermodynamic stability) performed at Invitae indicates that this missense variant is not expected to disrupt PRICKLE1 protein function. In summary, the available evidence is currently insufficient to determine the role of this variant in disease. Therefore, it has been classified as a Variant of Uncertain Significance.

Ambry Genetics
Classification: Uncertain significance. Last evaluated: 2018-01-16. Review status: criteria provided, single submitter. Criteria: Ambry Variant Classification Scheme 2023. Collection method: clinical testing. Allele origin: germline.
Comment: The p.R702Q variant (also known as c.2105G>A), located in coding exon 7 of the PRICKLE1 gene, results from a G to A substitution at nucleotide position 2105. The arginine at codon 702 is replaced by glutamine, an amino acid with highly similar properties. This amino acid position is well conserved in available vertebrate species; however, glutamine is the reference amino acid in other vertebrate species. In addition, this alteration is predicted to be tolerated by in silico analysis. Since supporting evidence is limited at this time, the clinical significance of this alteration remains unclear.

Eurofins Ntd Llc (ga)
Classification: Uncertain significance. Last evaluated: 2014-12-02. Review status: criteria provided, single submitter. Criteria: EGL Classification Definitions 2015. Collection method: clinical testing. Allele origin: germline. Observed: 1 variant allele, 1 heterozygote.

GeneDx
Classification: Uncertain significance. Last evaluated: 2013-04-09. Review status: criteria provided, single submitter. Criteria: GeneDx Variant Classification (06012015). Collection method: clinical testing. Allele origin: germline. Affected: yes.
Comment: p.Arg702Gln (CGG>CAG): c.2105 G>A in exon 8 of the PRICKLE1 gene (NM_153026.2). The Arg702Gln missense change has not been published as a mutation, nor has it been reported as a benign polymorphism to our knowledge. It was not observed in approximately 6,500 individuals of European and African American ancestry in the NHLBI Exome Sequencing Project or among the various ethnic groups studied in the 1000 Genomes Project, indicating it is not a common benign variant in these populations. The amino acid substitution is non-conservative as a positively charged Arginine residue is replaced by an uncharged Glutamine residue. Arg702Gln alters a position, that is conserved in mammals, in the Vangl/Dgo binding domain of the protein. However, other missense mutations have not been reported in this region of the protein in association with epilepsy and in-silico algorithms are not consistent in their predictions of whether Arg702Gln is damaging to the structure/function of hte protein. Therefore, based on the currently available information, it is unclear whether Arg702Gln is a disease-causing mutation or a rare benign variant. The variant is found in EPILEPSY panel(s).